The following is an entry in ClinVar:

ClinVar aggregate classification (germline): Pathogenic (1 of 4 stars; one submission).

Conditions:
Marfan syndrome (MFS). Also called: MARFAN SYNDROME, TYPE I; Marfan syndrome type 1; Marfan's syndrome; Marfan syndrome, classic; FBN1-Related Marfan Syndrome. Identifiers: Orphanet 284963, Orphanet 558, MedGen C0024796, MONDO:0007947, OMIM 154700.
Familial thoracic aortic aneurysm and aortic dissection (TAAD). Also called: Thoracic aortic aneurysms and dissections. Identifiers: Orphanet 91387, MedGen C4707243, MONDO:0019625.

Submission:

Labcorp Genetics (formerly Invitae), Labcorp
Classification: Pathogenic for Marfan syndrome; Familial thoracic aortic aneurysm and aortic dissection. Last evaluated: 2023-11-03. Review status: criteria provided, single submitter. Criteria: Invitae Variant Classification Sherloc (09022015). Collection method: clinical testing. Allele origin: germline.
Comment: This sequence change replaces cysteine, which is neutral and slightly polar, with arginine, which is basic and polar, at codon 628 of the FBN1 protein (p.Cys628Arg). This variant is not present in population databases (gnomAD no frequency). This missense change has been observed in individual(s) with clinical features of FBN1-related conditions (Invitae). In at least one individual the variant was observed to be de novo. ClinVar contains an entry for this variant (Variation ID: 1483618). Advanced modeling of protein sequence and biophysical properties (such as structural, functional, and spatial information, amino acid conservation, physicochemical variation, residue mobility, and thermodynamic stability) performed at Invitae indicates that this missense variant is expected to disrupt FBN1 protein function with a positive predictive value of 95%. This variant affects a cysteine residue in the EGF-like, TGFBP or hybrid motif domains of FBN1. Cysteine residues are believed to be involved in intramolecular disulfide bridges and have been shown to be important for FBN1 protein structure (PMID: 16905551, 19349279). In addition, missense substitutions affecting cysteine residues within these domains are significantly overrepresented among patients with Marfan syndrome (PMID: 16571647, 17701892). This variant disrupts the p.Cys628 amino acid residue in FBN1. Other variant(s) that disrupt this residue have been observed in individuals with FBN1-related conditions (PMID: 12402346; Invitae), which suggests that this may be a clinically significant amino acid residue. For these reasons, this variant has been classified as Pathogenic.

Literature cited by the submitters: PubMed 16905551; PubMed 19349279; PubMed 16571647; PubMed 17701892; PubMed 12402346.

NM_000138.5(FBN1):c.1882T>C (p.Cys628Arg)

Gene: FBN1 (fibrillin 1; minus strand). Cytogenetic location: 15q21.1.
Variant type: single nucleotide variant.
Coding change: c.1882T>C on transcript NM_000138.5 (MANE Select); coding-DNA position 1882, T replaced by C.
Protein change: p.Cys628Arg; replaces cysteine 628 with arginine.
Molecular consequence: missense variant.
Genome position (GRCh38, 1-based): chr15:48,505,103, A>G on the plus strand (T>C on the coding strand, the complement: FBN1 is on the minus strand). VCF-style: chr15-48505103-A-G. GRCh37 (hg19) VCF-style: chr15-48797300-A-G.
Other names: short protein forms C628R.
Identifiers: ClinVar variation 1483618 (VCV001483618.8), dbSNP rs2141317350, ClinGen allele CA392339117.